The following is an entry in ClinVar:

ClinVar aggregate classification (germline): Uncertain significance. Review status: criteria provided, single submitter (1 of 4 stars). 2 submissions from 2 submitters: Uncertain significance (1). 1 of the submissions does not count toward it. Last evaluated 2024-03-19.

Conditions:
MKKS-related disorder. Also called: MKKS-related condition; MKKS-related disorders.
McKusick-Kaufman syndrome (MKKS). Also called: HYDROMETROCOLPOS SYNDROME; HYDROMETROCOLPOS, POSTAXIAL POLYDACTYLY, AND CONGENITAL HEART MALFORMATION. Identifiers: Orphanet 2473, MedGen C0948368, MONDO:0009367, OMIM 236700.
Bardet-Biedl syndrome 6 (BBS6). Identifiers: Orphanet 110, MedGen C1858054, MONDO:0011523, OMIM 605231.

gnomAD v4.1: 55 of 1,614,074 alleles (0.0034%); highest among the groups gnomAD compares: Non-Finnish European, 0.0046%; no homozygotes.

Submissions (2):

Fulgent Genetics
Classification: Uncertain significance for McKusick-Kaufman syndrome; Bardet-Biedl syndrome 6. Last evaluated: 2024-03-19. Review status: criteria provided, single submitter. Criteria: ACMG Guidelines, 2015. Collection method: clinical testing. Allele origin: germline.

PreventionGenetics, part of Exact Sciences
Classification: Uncertain significance for MKKS-related condition. Last evaluated: 2024-04-11. Review status: no assertion criteria provided. Collection method: clinical testing. Allele origin: germline. Not counted in ClinVar's aggregate classification.
Comment: The MKKS c.658A>G variant is predicted to result in the amino acid substitution p.Ile220Val. To our knowledge, this variant has not been reported in the literature. This variant is reported in 0.011% of alleles in individuals of African descent in gnomAD. At this time, the clinical significance of this variant is uncertain due to the absence of conclusive functional and genetic evidence.

NM_170784.3(MKKS):c.658A>G (p.Ile220Val)

Gene: MKKS (MKKS centrosomal shuttling protein; minus strand). Cytogenetic location: 20p12.2.
Variant type: single nucleotide variant.
Coding change: c.658A>G on transcript NM_170784.3 (MANE Select); coding-DNA position 658, A replaced by G.
Protein change: p.Ile220Val; replaces isoleucine 220 with valine.
Molecular consequence: missense variant.
Genome position (GRCh38, 1-based): chr20:10,412,857, T>C on the plus strand (A>G on the coding strand, the complement: MKKS is on the minus strand). VCF-style: chr20-10412857-T-C. GRCh37 (hg19) VCF-style: chr20-10393505-T-C.
Other names: c.658A>G, p.Ile220Val (NM_018848.3); short protein forms I220V.
Identifiers: ClinVar variation 3355373 (VCV003355373.2).
Genomic context (GRCh38, chr20:10,412,857, plus strand): 5'-TGAGGGCAGTTGATTTTTTGATAGGTAATAGCCTCATTAATTGAACTTCTGACATTTCAA[T>C]GAGTATCCCAGGTAATACAGTGGAATCTATAACTCTTTGACCTTTTAAAGGTACAATTAA-3'
Protein context (NP_740754.1, residues 210-230): IDSTVLPGIL[Ile220Val]EMSEVQLMRL